The following is an entry in ClinVar:

ClinVar aggregate classification (germline): Uncertain significance (1 of 4 stars; one submission).

Conditions:
Hereditary cancer-predisposing syndrome. Also called: Neoplastic Syndromes, Hereditary; Hereditary Cancer Syndrome; Hereditary neoplastic syndrome; Tumor predisposition. Identifiers: Orphanet 140162, MedGen C0027672, MeSH D009386, MONDO:0015356.

Submission:

Ambry Genetics
Classification: Uncertain significance for Hereditary cancer-predisposing syndrome. Last evaluated: 2023-05-14. Review status: criteria provided, single submitter. Criteria: Ambry Variant Classification Scheme 2023. Collection method: clinical testing. Allele origin: germline.
Comment: The p.N30D variant (also known as c.88A>G), located in coding exon 2 of the XRCC2 gene, results from an A to G substitution at nucleotide position 88. The asparagine at codon 30 is replaced by aspartic acid, an amino acid with highly similar properties. This amino acid position is conserved. In addition, this alteration is predicted to be tolerated by in silico analysis. Since supporting evidence is limited at this time, the clinical significance of this alteration remains unclear.

NM_005431.2(XRCC2):c.88A>G (p.Asn30Asp)

Gene: XRCC2 (X-ray repair cross complementing 2; minus strand). Cytogenetic location: 7q36.1.
Variant type: single nucleotide variant.
Coding change: c.88A>G on transcript NM_005431.2 (MANE Select); coding-DNA position 88, A replaced by G.
Protein change: p.Asn30Asp; replaces asparagine 30 with aspartic acid.
Molecular consequence: missense variant.
Genome position (GRCh38, 1-based): chr7:152,660,734, T>C on the plus strand (A>G on the coding strand, the complement: XRCC2 is on the minus strand). VCF-style: chr7-152660734-T-C. GRCh37 (hg19) VCF-style: chr7-152357819-T-C.
Other names: short protein forms N30D.
Identifiers: ClinVar variation 2561493 (VCV002561493.2), dbSNP rs2098032739, ClinGen allele CA370199463.